The following is an entry in ClinVar:

NM_000059.4(BRCA2):c.9256+5507T>C

Gene: BRCA2 (BRCA2 DNA repair associated; plus strand). Cytogenetic location: 13q13.1.
Variant type: single nucleotide variant.
Coding change: c.9256+5507T>C on transcript NM_000059.4 (MANE Select); 5507 bases into the intron after coding-DNA position 9256, T replaced by C.
Molecular consequence: intron variant.
Genome position (GRCh38, 1-based): chr13:32,385,652, T>C. VCF-style: chr13-32385652-T-C. GRCh37 (hg19) VCF-style: chr13-32959789-T-C.
Other names: IVS 24+5507T>C.
Identifiers: ClinVar variation 209872 (VCV000209872.2), dbSNP rs206147, ClinGen allele CA276840.

ClinVar aggregate classification (germline): Benign. Review status: reviewed by expert panel (3 of 4 stars). 2 submissions from 2 submitters: Benign (1). 1 of the submissions does not count toward it. Last evaluated 2015-01-12.

Conditions:
Breast-ovarian cancer, familial, susceptibility to, 2 (BROVCA2). Also called: BRCA2 Hereditary Breast and Ovarian Cancer. Identifiers: Orphanet 145, MedGen C2675520, MONDO:0012933, OMIM 612555. Disease mechanism: loss of function.

Allele frequency attached by ClinVar (database versions not stated): gnomAD exomes 0.20732; TOPMed 0.21230; gnomAD 0.21249; 1000 Genomes Project 0.22863; 1000 Genomes Project 30x 0.22986.
gnomAD v4.1: 48,919 of 232,116 alleles (21%); highest among the groups gnomAD compares: Middle Eastern, 25%; 5,307 homozygotes.

Submissions (2):

Evidence-based Network for the Interpretation of Germline Mutant Alleles (ENIGMA)
Classification: Benign for Breast-ovarian cancer, familial 2. Last evaluated: 2015-01-12. Review status: reviewed by expert panel. Criteria: ENIGMA BRCA1/2 Classification Criteria (2015). Collection method: curation. Allele origin: germline.
Comment: Class 1 not pathogenic based on frequency >1% in an outbred sampleset. Frequency 0.2587 (Asian), 0.2195 (African), 0.2137 (European), derived from 1000 genomes (2012-04-30).

Breakthrough Genomics
Classification: Benign. Review status: criteria provided, single submitter. Criteria: ACMG Guidelines, 2015. Collection method: not provided. Allele origin: germline. Inheritance: Autosomal recessive inheritance. Affected: yes. Not counted in ClinVar's aggregate classification.